The following is an entry in ClinVar:

NM_000046.5(ARSB):c.1213+5G>A

Gene: ARSB (arylsulfatase B; minus strand). Cytogenetic location: 5q14.1.
Variant type: single nucleotide variant.
Coding change: c.1213+5G>A on transcript NM_000046.5 (MANE Select); 5 bases into the intron after coding-DNA position 1213, G replaced by A.
Molecular consequence: intron variant.
Genome position (GRCh38, 1-based): chr5:78,839,351, C>T on the plus strand (G>A on the coding strand, the complement: ARSB is on the minus strand). VCF-style: chr5-78839351-C-T. GRCh37 (hg19) VCF-style: chr5-78135174-C-T.
Other names: c.1213+5G>A (NM_198709.3).
Identifiers: ClinVar variation 559691 (VCV000559691.2), dbSNP rs1554074119, ClinGen allele CA658822428.
Genomic context (GRCh38, chr5:78,839,351, plus strand): 5'-TAGGTAATCAAACCATCTTGGTGGGCCAATTAGATTTAATCTAGTAGCAATGCACTGGTA[C>T]TCACACGGTGAAGAGTCCACGAAGTTCGGGTCAATATTATGCAGCAGCTCAATTCTGGGG-3'

ClinVar aggregate classification (germline): Conflicting classifications of pathogenicity. Review status: criteria provided, conflicting classifications (1 of 4 stars). 2 submissions from 2 submitters: Likely pathogenic (1); Uncertain significance (1). Last evaluated 2025-04-14.

Conditions:
Mucopolysaccharidosis type 6 (MPS6). Also called: N-ACETYLGALACTOSAMINE-4-SULFATASE DEFICIENCY; MPS VI; MPS 6; Maroteaux Lamy syndrome; ARSB DEFICIENCY; ARYLSULFATASE B DEFICIENCY. Identifiers: Orphanet 583, MedGen C0026709, MONDO:0009661, OMIM 253200.

Submissions (2):

Natera, Inc.
Classification: Likely pathogenic for Mucopolysaccharidosis type VI. Last evaluated: 2025-04-14. Review status: criteria provided, single submitter. Criteria: Natera Variant Classification Schema (03/2026). Collection method: clinical testing. Allele origin: germline.
Comment: The c.1213+5G>A variant in ARSB is an intronic variant located outside the canonical splice sites. This variant is rare in the general population with a frequency below the threshold expected for the associated phenotype(s). This variant has been observed in one or more individuals affected with the associated recessive disease, as either homozygous or compound heterozygous with a second variant (PMID: 35118118). Functional studies show that this variant may disrupt protein function (PMID: 17161971). Computational prediction algorithms indicate this variant is likely to affect gene or protein function. Given the available evidence, this variant is classified as Likely Pathogenic.

Laboratory of Diagnosis and Therapy of Lysosomal Disorders, University of Padova
Classification: Uncertain significance for Mucopolysaccharidosis type 6. Last evaluated: 2018-01-01. Review status: criteria provided, single submitter. Criteria: ACMG Guidelines, 2015. Collection method: curation. Allele origin: germline. Affected: yes.
Comment: Absent from GnomAD (PM2)

Literature cited by the submitters: PubMed 35118118 (cited by Natera, Inc.); PubMed 17161971 (cited by Natera, Inc.); PubMed 17458871 (cited by Laboratory of Diagnosis and Therapy of Lysosomal Disorders, University of Padova); PubMed 30118150 (cited by Laboratory of Diagnosis and Therapy of Lysosomal Disorders, University of Padova).